The following is an entry in ClinVar:

NM_000051.4(ATM):c.8415G>A (p.Met2805Ile)

Genes: ATM (ATM serine/threonine kinase; plus strand), C11orf65 (chromosome 11 open reading frame 65; minus strand). Cytogenetic location: 11q22.3.
Variant type: single nucleotide variant.
Coding change: c.8415G>A on transcript NM_000051.4 (MANE Select); coding-DNA position 8415, G replaced by A.
Protein change: p.Met2805Ile; replaces methionine 2805 with isoleucine.
Molecular consequence: missense variant. On other transcripts: intron variant (2).
Genome position (GRCh38, 1-based): chr11:108,343,368, G>A. VCF-style: chr11-108343368-G-A. GRCh37 (hg19) VCF-style: chr11-108214095-G-A.
Other names: c.8415G>A, p.Met2805Ile (NM_001351834.2); c.641-34297C>T (NM_001330368.2); c.695-8076C>T (NM_001351110.2); short protein forms M2805I.
Identifiers: ClinVar variation 478963 (VCV000478963.7), dbSNP rs1555135878, ClinGen allele CA382516848.

ClinVar aggregate classification (germline): Uncertain significance (1 of 4 stars; one submission).

Conditions:
Hereditary cancer-predisposing syndrome. Also called: Neoplastic Syndromes, Hereditary; Hereditary Cancer Syndrome; Tumor predisposition; Hereditary neoplastic syndrome. Identifiers: Orphanet 140162, MedGen C0027672, MeSH D009386, MONDO:0015356.

Submission:

Ambry Genetics
Classification: Uncertain significance for Hereditary cancer-predisposing syndrome. Last evaluated: 2016-03-25. Review status: criteria provided, single submitter. Criteria: Ambry Variant Classification Scheme 2023. Collection method: clinical testing. Allele origin: germline.
Comment: The p.M2805I variant (also known as c.8415G>A), located in coding exon 56 of the ATM gene, results from a G to A substitution at nucleotide position 8415. The methionine at codon 2805 is replaced by isoleucine, an amino acid with highly similar properties. This amino acid position is highly conserved in available vertebrate species. In addition, this alteration is predicted to be tolerated by in silico analysis. Since supporting evidence is limited at this time, the clinical significance of this alteration remains unclear.